The following is an entry in ClinVar:

ClinVar aggregate classification (germline): Uncertain significance (1 of 4 stars; one submission).

Submission:

Labcorp Genetics (formerly Invitae), Labcorp
Classification: Uncertain significance. Last evaluated: 2025-11-17. Review status: criteria provided, single submitter. Criteria: Invitae Variant Classification Sherloc (09022015). Collection method: clinical testing. Allele origin: germline.
Comment: This sequence change replaces lysine, which is basic and polar, with glutamic acid, which is acidic and polar, at codon 128 of the CCDC50 protein (p.Lys128Glu). This variant is not present in population databases (gnomAD no frequency). This variant has not been reported in the literature in individuals affected with CCDC50-related conditions. An algorithm developed to predict the effect of missense changes on protein structure and function (PolyPhen-2) suggests that this variant is likely to be disruptive. In summary, the available evidence is currently insufficient to determine the role of this variant in disease. Therefore, it has been classified as a Variant of Uncertain Significance.

NM_178335.3(CCDC50):c.382A>G (p.Lys128Glu)

Gene: CCDC50 (coiled-coil domain containing 50; plus strand). Cytogenetic location: 3q28.
Variant type: single nucleotide variant.
Coding change: c.382A>G on transcript NM_178335.3 (MANE Select); coding-DNA position 382, A replaced by G.
Protein change: p.Lys128Glu; replaces lysine 128 with glutamic acid.
Molecular consequence: missense variant.
Genome position (GRCh38, 1-based): chr3:191,369,970, A>G. VCF-style: chr3-191369970-A-G. GRCh37 (hg19) VCF-style: chr3-191087759-A-G.
Other names: c.382A>G, p.Lys128Glu (NM_174908.4); short protein forms K128E.
Identifiers: ClinVar variation 4772588 (VCV004772588.1).
Genomic context (GRCh38, chr3:191,369,970, plus strand): 5'-TCTTTGCAGGACATAGCTCGCCTTTTGCAAGAAAAGGAGTTACAGGAAGAGAAAAAGAGA[A>G]AGAAACACTTTCCAGAGTTCCCTGCAACCCGTGCTTATGCAGATAGTTACTATTATGAAG-3'
Protein context (NP_848018.1, residues 118-138): EKELQEEKKR[Lys128Glu]KHFPEFPATR